The following is an entry in ClinVar:

ClinVar aggregate classification (germline): Uncertain significance. Review status: criteria provided, multiple submitters, no conflicts (2 of 4 stars). 4 submissions from 4 submitters: Uncertain significance (4). Last evaluated 2024-05-08.

Conditions:
Hereditary cancer-predisposing syndrome. Also called: Hereditary neoplastic syndrome; Tumor predisposition; Hereditary Cancer Syndrome; Neoplastic Syndromes, Hereditary. Identifiers: Orphanet 140162, MedGen C0027672, MeSH D009386, MONDO:0015356.
Tuberous sclerosis syndrome (TSC). Also called: Tuberous Sclerosis Complex; Tuberous sclerosis. Identifiers: Orphanet 805, MedGen C0041341, MONDO:0001734.
Isolated focal cortical dysplasia type II (FCORD2). Also called: Focal cortical dysplasia type II; CORTICAL DYSPLASIA OF TAYLOR. Identifiers: Orphanet 268994, MedGen C1846385, MONDO:0011818, OMIM 607341, HP:0032051.
Tuberous sclerosis 2 (TSC2). Identifiers: Orphanet 805, MedGen C1860707, MONDO:0013199, OMIM 613254.

Submissions (4):

Ambry Genetics
Classification: Uncertain significance for Hereditary cancer-predisposing syndrome. Last evaluated: 2024-05-08. Review status: criteria provided, single submitter. Criteria: Ambry Variant Classification Scheme 2023. Collection method: clinical testing. Allele origin: germline.
Comment: The p.E1087K variant (also known as c.3259G>A), located in coding exon 27 of the TSC2 gene, results from a G to A substitution at nucleotide position 3259. The glutamic acid at codon 1087 is replaced by lysine, an amino acid with similar properties. This amino acid position is conserved. In addition, the in silico prediction for this alteration is inconclusive. Based on the available evidence, the clinical significance of this variant remains unclear.

All of Us Research Program, National Institutes of Health
Classification: Uncertain significance for Tuberous sclerosis syndrome. Last evaluated: 2024-02-22. Review status: criteria provided, single submitter. Criteria: ACMG Guidelines, 2015. Collection method: clinical testing. Allele origin: germline. Inheritance: Autosomal dominant inheritance. Observed: 1 variant allele, 1 heterozygote.
Comment: This missense variant replaces glutamic acid with lysine at codon 1087 of the TSC2 protein. Computational prediction is inconclusive regarding the impact of this variant on protein structure and function (internally defined REVEL score threshold 0.5 < inconclusive < 0.7, PMID: 27666373). To our knowledge, functional studies have not been reported for this variant. This variant has not been reported in individuals affected with TSC2-related disorders in the literature. This variant has not been identified in the general population by the Genome Aggregation Database (gnomAD). The available evidence is insufficient to determine the role of this variant in disease conclusively. Therefore, this variant is classified as a Variant of Uncertain Significance.

This study involves interpretation of variants in research participants for the purpose of population health screening. Participant phenotype was not available at the time of variant classification. Additional details can be found in publication PMID: 35346344, PMCID: PMC8962531

Labcorp Genetics (formerly Invitae), Labcorp
Classification: Uncertain significance for Tuberous sclerosis 2. Last evaluated: 2024-02-15. Review status: criteria provided, single submitter. Criteria: Invitae Variant Classification Sherloc (09022015). Collection method: clinical testing. Allele origin: germline.
Comment: This sequence change replaces glutamic acid, which is acidic and polar, with lysine, which is basic and polar, at codon 1087 of the TSC2 protein (p.Glu1087Lys). This variant is not present in population databases (gnomAD no frequency). This variant has not been reported in the literature in individuals affected with TSC2-related conditions. ClinVar contains an entry for this variant (Variation ID: 578801). Advanced modeling of protein sequence and biophysical properties (such as structural, functional, and spatial information, amino acid conservation, physicochemical variation, residue mobility, and thermodynamic stability) performed at Invitae indicates that this missense variant is not expected to disrupt TSC2 protein function with a negative predictive value of 95%. In summary, the available evidence is currently insufficient to determine the role of this variant in disease. Therefore, it has been classified as a Variant of Uncertain Significance.

Baylor Genetics
Classification: Uncertain significance for Isolated focal cortical dysplasia type II. Last evaluated: 2023-10-02. Review status: criteria provided, single submitter. Criteria: ACMG Guidelines, 2015. Collection method: clinical testing. Allele origin: unknown.

NM_000548.5(TSC2):c.3259G>A (p.Glu1087Lys)

Gene: TSC2 (TSC complex subunit 2; plus strand). Cytogenetic location: 16p13.3.
Variant type: single nucleotide variant.
Coding change: c.3259G>A on transcript NM_000548.5 (MANE Select); coding-DNA position 3259, G replaced by A.
Protein change: p.Glu1087Lys; replaces glutamic acid 1087 with lysine.
Molecular consequence: missense variant.
Genome position (GRCh38, 1-based): chr16:2,079,403, G>A. VCF-style: chr16-2079403-G-A. GRCh37 (hg19) VCF-style: chr16-2129404-G-A.
Other names: c.3127G>A, p.Glu1043Lys (NM_001077183.3, NM_001370404.1); c.3259G>A, p.Glu1087Lys (NM_001114382.3); c.3019G>A, p.Glu1007Lys (NM_001318827.2); c.2983G>A, p.Glu995Lys (NM_001318829.2); c.2527G>A, p.Glu843Lys (NM_001318831.2); c.3160G>A, p.Glu1054Lys (NM_001318832.2); c.3130G>A, p.Glu1044Lys (NM_001363528.2, NM_001370405.1, NM_021055.3); short protein forms E1087K, E1007K, E995K, E1044K, E1043K, E843K, E1054K.
Identifiers: ClinVar variation 578801 (VCV000578801.11), dbSNP rs1085307762, ClinGen allele CA394286183.